The following is an entry in ClinVar:

NM_033380.3(COL4A5):c.1498G>C (p.Gly500Arg)

Gene: COL4A5 (collagen type IV alpha 5 chain; plus strand). Cytogenetic location: Xq22.3.
Variant type: single nucleotide variant.
Coding change: c.1498G>C on transcript NM_033380.3 (MANE Select); coding-DNA position 1498, G replaced by C.
Protein change: p.Gly500Arg; replaces glycine 500 with arginine.
Molecular consequence: missense variant.
Genome position (GRCh38, 1-based): chrX:108,595,583, G>C. VCF-style: chrX-108595583-G-C. GRCh37 (hg19) VCF-style: chrX-107838813-G-C.
Other names: c.1498G>C, p.Gly500Arg (NM_000495.5); c.1498G>C (NM_033380.2); short protein forms G500R.
Identifiers: ClinVar variation 24419 (VCV000024419.8), dbSNP rs281874670, ClinGen allele CA258488.

ClinVar aggregate classification (germline): Pathogenic. Review status: criteria provided, single submitter (1 of 4 stars). 2 submissions from 2 submitters: Pathogenic (1). 1 of the submissions does not count toward it. Last evaluated 2025-06-10.

Conditions:
Alport syndrome. Also called: Hemorrhagic familial nephritis; Hemorrhagic hereditary nephritis; Congenital hereditary hematuria. Identifiers: Orphanet 63, MedGen C1567741, MONDO:0018965.
X-linked Alport syndrome (ATS1). Also called: COL4A5-Related Nephropathy; NEPHROPATHY AND DEAFNESS, X-LINKED. Identifiers: Orphanet 63, Orphanet 88917, MedGen C4746986, MONDO:0010520, OMIM 301050.

Submissions (2):

Victorian Clinical Genetics Services, Murdoch Childrens Research Institute
Classification: Pathogenic for X-linked Alport syndrome. Last evaluated: 2025-06-10. Review status: criteria provided, single submitter. Criteria: ACMG Guidelines, 2015. Collection method: clinical testing. Allele origin: germline. Affected: yes.
Comment: This variant is classified as Pathogenic. Evidence in support of pathogenic classification: Variant is absent from gnomAD (v2, v3 and v4); This variant has moderate previous evidence of pathogenicity in unrelated individuals. This variant has been reported as likely pathogenic and pathogenic, and observed in individuals with haematuria and Alport syndrome (VCGS, ClinVar); This variant has limited evidence for segregation with disease. This variant has been reported to segregate in one family with five affected individuals, where the most severely affected individual has renal failure (PMID: 18343956); Another missense variant(s) comparable to the one identified in this case has moderate previous evidence for pathogenicity. Variant is located in the well-established functional Gly-X-Y motif within the collagen triple helical domain (DECIPHER; PMID: 19965530); Missense variant predicted to be damaging by in silico tool(s) or highly conserved with a major amino acid change. Additional information: Variant is predicted to result in a missense amino acid change from glycine to arginine; This variant is hemizygous; This gene is associated with X-linked dominant disease. Males are typically more severely affected than females (PMID: 19965530); Dominant negative and loss of function are known mechanisms of disease in this gene and are associated with X-linked Alport syndrome 1 (MIM#301050). Dominant negative is caused mostly by glycine substitutions that affect the conformation of the protein, and loss of function can be caused by either protein truncating or missense variants (PMID: 24046192, 12028435); Variants in this gene are known to have variable expressivity. There is intrafamilial variability among affected carrier females, possibly due to variable X-inactivation (PMID: 14514738); Inheritance information for this variant is not currently available in this individual.

Sydney Genome Diagnostics, Children's Hospital Westmead
Classification: Likely pathogenic for Alport syndrome. Last evaluated: 2017-10-10. Review status: no assertion criteria provided. Collection method: clinical testing. Allele origin: unknown. Affected: yes. Observed: 1 variant allele, 1 heterozygote. Not counted in ClinVar's aggregate classification.
Comment: The c.1498G>C variant has not been reported in any population databases (i.e. ExAC, ESP or dbSNP). This variant (dbSNP: rs281874670) results in substitution of one of the invariant glycine residues within the triple helical domain of the alpha 5 chain of type IV collagen. This variant has been previously reported in a family with X-linked Alport syndrome (Tan et al 2010 Clin J Am Soc Nephrol 5:34-38 PMID:19965530). This variant is considered to be likely pathogenic according to the ACMG guidelines.

Literature cited by the submitters: PubMed 24046192 (cited by Victorian Clinical Genetics Services, Murdoch Childrens Research Institute); PubMed 18343956 (cited by Victorian Clinical Genetics Services, Murdoch Childrens Research Institute); PubMed 12028435 (cited by Victorian Clinical Genetics Services, Murdoch Childrens Research Institute); PubMed 14514738 (cited by Victorian Clinical Genetics Services, Murdoch Childrens Research Institute); PubMed 19965530 (cited by Victorian Clinical Genetics Services, Murdoch Childrens Research Institute); PubMed 26063487 (cited by Victorian Clinical Genetics Services, Murdoch Childrens Research Institute).